The following is an entry in ClinVar:

NM_022455.5(NSD1):c.4753G>T (p.Glu1585Ter)

Gene: NSD1 (nuclear receptor binding SET domain protein 1; plus strand). Cytogenetic location: 5q35.3.
Variant type: single nucleotide variant.
Coding change: c.4753G>T on transcript NM_022455.5 (MANE Select); coding-DNA position 4753, G replaced by T.
Protein change: p.Glu1585Ter; replaces glutamic acid 1585 with a stop codon.
Molecular consequence: nonsense.
Genome position (GRCh38, 1-based): chr5:177,251,841, G>T. VCF-style: chr5-177251841-G-T. GRCh37 (hg19) VCF-style: chr5-176678842-G-T.
Other names: c.3880G>T, p.Glu1294Ter (NM_001365684.2, NM_001409306.1, NM_001409307.1 and 3 more transcripts); c.4753G>T, p.Glu1585Ter (NM_001409301.1, NM_001409302.1, NM_001409303.1); c.4333G>T, p.Glu1445Ter (NM_001409304.1); c.4000G>T, p.Glu1334Ter (NM_001409305.1); short protein forms E1585*, E1316*, E1294*, E1334*, E1445*.
Identifiers: ClinVar variation 159344 (VCV000159344.8), dbSNP rs587784126, ClinGen allele CA294903.
Genomic context (GRCh38, chr5:177,251,841, plus strand): 5'-GCTTTCCACCTGGAGTGCCTTGGATTGACTGAGATGCCAAGAGGAAAATTTATCTGCAAT[G>T]AATGTCGCACAGGTAAAGTAGATATCGAACGGTCTTCCTCCAAAGAAAGTTTGAATTTTA-3'

ClinVar aggregate classification (germline): Pathogenic. Review status: criteria provided, multiple submitters, no conflicts (2 of 4 stars). 3 submissions from 3 submitters: Pathogenic (3). Last evaluated 2021-07-15.

Conditions:
Sotos syndrome (SOTOS). Also called: Distinctive facial appearance, overgrowth in childhood, and learning disabilities or delayed development; CEREBRAL GIGANTISM; Sotos' syndrome; CHROMOSOME 5q35 DELETION SYNDROME; SOTOS SYNDROME 1. Identifiers: Orphanet 821, MedGen C0175695, MONDO:0019349, OMIM 117550.

Submissions (3):

Genome-Nilou Lab
Classification: Pathogenic for Sotos syndrome. Last evaluated: 2021-07-15. Review status: criteria provided, single submitter. Criteria: ACMG Guidelines, 2015. Collection method: clinical testing. Allele origin: germline. Affected: no.

GeneDx
Classification: Pathogenic. Last evaluated: 2019-01-10. Review status: criteria provided, single submitter. Criteria: GeneDx Variant Classification (06012015). Collection method: clinical testing. Allele origin: germline. Affected: yes.
Comment: The E1585X nonsense variant in the NSD1 gene is predicted to cause loss of normal protein function either through protein truncation or nonsense-mediated mRNA decay. The E1585X variant is not observed in large population cohorts (Lek et al., 2016). Although this variant has not been reported previously to our knowledge, E1585X is considered a pathogenic variant.

Genetic Services Laboratory, University of Chicago
Classification: Pathogenic for Sotos syndrome 1. Last evaluated: 2013-02-08. Review status: criteria provided, single submitter. Criteria: ACMG Guidelines, 2007. Collection method: clinical testing. Allele origin: germline. Inheritance: Autosomal dominant inheritance. Affected: yes.